The following is an entry in ClinVar:

NM_001025616.3(ARHGAP24):c.680A>C (p.Lys227Thr)

Gene: ARHGAP24 (Rho GTPase activating protein 24; plus strand). Cytogenetic location: 4q21.23.
Variant type: single nucleotide variant.
Coding change: c.680A>C on transcript NM_001025616.3 (MANE Select); coding-DNA position 680, A replaced by C.
Protein change: p.Lys227Thr; replaces lysine 227 with threonine.
Molecular consequence: missense variant.
Genome position (GRCh38, 1-based): chr4:85,972,116, A>C. VCF-style: chr4-85972116-A-C. GRCh37 (hg19) VCF-style: chr4-86893269-A-C.
Other names: c.395A>C, p.Lys132Thr (NM_001042669.2); c.425A>C, p.Lys142Thr (NM_001287805.2); c.101A>C, p.Lys34Thr (NM_001346093.2); c.401A>C, p.Lys134Thr (NM_031305.3); short protein forms K134T, K34T, K132T, K142T, K227T.
Identifiers: ClinVar variation 4698975 (VCV004698975.1).
Genomic context (GRCh38, chr4:85,972,116, plus strand): 5'-TGGCATCACTTCTTAAGCTGTACCTCCGAGAACTTCCAGAACCAGTTATTCCTTATGCGA[A>C]GTATGAAGATTTTTTGTCATGTGCCAAACTGCTCAGCAAGGAAGAGGAAGCAGTAAGTTG-3'
Protein context (NP_001020787.2, residues 217-237): ELPEPVIPYA[Lys227Thr]YEDFLSCAKL

ClinVar aggregate classification (germline): Uncertain significance (1 of 4 stars; one submission).

gnomAD v4.1: 1 of 1,613,852 alleles (0.000062%); highest among the groups gnomAD compares: Non-Finnish European, 0.000085%; no homozygotes.

Submission:

Labcorp Genetics (formerly Invitae), Labcorp
Classification: Uncertain significance. Last evaluated: 2025-12-10. Review status: criteria provided, single submitter. Criteria: Invitae Variant Classification Sherloc (09022015). Collection method: clinical testing. Allele origin: germline.
Comment: This sequence change replaces lysine, which is basic and polar, with threonine, which is neutral and polar, at codon 227 of the ARHGAP24 protein (p.Lys227Thr). This variant is present in population databases (no rsID available, gnomAD 0.007%). This variant has not been reported in the literature in individuals affected with ARHGAP24-related conditions. An algorithm developed to predict the effect of missense changes on protein structure and function (PolyPhen-2) suggests that this variant is likely to be disruptive. In summary, the available evidence is currently insufficient to determine the role of this variant in disease. Therefore, it has been classified as a Variant of Uncertain Significance.